The following is an entry in ClinVar:

NM_000440.3(PDE6A):c.2230G>A (p.Glu744Lys)

Gene: PDE6A (phosphodiesterase 6A; minus strand). Cytogenetic location: 5q32.
Variant type: single nucleotide variant.
Coding change: c.2230G>A on transcript NM_000440.3 (MANE Select); coding-DNA position 2230, G replaced by A.
Protein change: p.Glu744Lys; replaces glutamic acid 744 with lysine.
Molecular consequence: missense variant.
Genome position (GRCh38, 1-based): chr5:149,867,769, C>T on the plus strand (G>A on the coding strand, the complement: PDE6A is on the minus strand). VCF-style: chr5-149867769-C-T. GRCh37 (hg19) VCF-style: chr5-149247332-C-T.
Other names: c.1987G>A, p.Glu663Lys (NM_001410788.1); short protein forms E744K, E663K.
Identifiers: ClinVar variation 1963885 (VCV001963885.5), dbSNP rs754930835, ClinGen allele CA3504358.

ClinVar aggregate classification (germline): Uncertain significance (1 of 4 stars; one submission).

Allele frequency attached by ClinVar (database versions not stated): gnomAD exomes 0.00001; ExAC 0.00002.
gnomAD v4.1: 3 of 1,613,722 alleles (0.00019%); highest among the groups gnomAD compares: South Asian, 0.0011%; no homozygotes.

Submission:

Labcorp Genetics (formerly Invitae), Labcorp
Classification: Uncertain significance. Last evaluated: 2024-12-02. Review status: criteria provided, single submitter. Criteria: Invitae Variant Classification Sherloc (09022015). Collection method: clinical testing. Allele origin: germline.
Comment: This sequence change replaces glutamic acid, which is acidic and polar, with lysine, which is basic and polar, at codon 744 of the PDE6A protein (p.Glu744Lys). This variant is present in population databases (rs754930835, gnomAD 0.003%). This variant has not been reported in the literature in individuals affected with PDE6A-related conditions. ClinVar contains an entry for this variant (Variation ID: 1963885). Invitae Evidence Modeling of protein sequence and biophysical properties (such as structural, functional, and spatial information, amino acid conservation, physicochemical variation, residue mobility, and thermodynamic stability) has been performed for this missense variant. However, the output from this modeling did not meet the statistical confidence thresholds required to predict the impact of this variant on PDE6A protein function. In summary, the available evidence is currently insufficient to determine the role of this variant in disease. Therefore, it has been classified as a Variant of Uncertain Significance.